The following is an entry in ClinVar:

NM_016169.4(SUFU):c.956A>G (p.Asn319Ser)

Gene: SUFU (SUFU negative regulator of hedgehog signaling; plus strand). Cytogenetic location: 10q24.32.
Variant type: single nucleotide variant.
Coding change: c.956A>G on transcript NM_016169.4 (MANE Select); coding-DNA position 956, A replaced by G.
Protein change: p.Asn319Ser; replaces asparagine 319 with serine.
Molecular consequence: missense variant.
Genome position (GRCh38, 1-based): chr10:102,599,478, A>G. VCF-style: chr10-102599478-A-G. GRCh37 (hg19) VCF-style: chr10-104359235-A-G.
Other names: c.956A>G, p.Asn319Ser (NM_001178133.2); short protein forms N319S.
Identifiers: ClinVar variation 858842 (VCV000858842.11), dbSNP rs1479527039, ClinGen allele CA377911081.

ClinVar aggregate classification (germline): Conflicting classifications of pathogenicity. Review status: criteria provided, conflicting classifications (1 of 4 stars). 3 submissions from 3 submitters: Uncertain significance (2); Likely benign (1). Last evaluated 2025-10-01.

Conditions:
Hereditary cancer-predisposing syndrome. Also called: Hereditary neoplastic syndrome; Tumor predisposition; Neoplastic Syndromes, Hereditary; Hereditary Cancer Syndrome. Identifiers: Orphanet 140162, MedGen C0027672, MeSH D009386, MONDO:0015356.
Gorlin syndrome. Also called: Nevoid Basal Cell Carcinoma Syndrome; Basal cell nevus syndrome. Identifiers: Orphanet 377, MedGen C0004779, MONDO:0007187.
Medulloblastoma (MDB). Also called: MEDULLOBLASTOMA PREDISPOSITION SYNDROME; Medulloblastoma, somatic. Identifiers: Orphanet 616, MedGen C0025149, MeSH D008527, MONDO:0007959, OMIM 155255, HP:0002885.

Allele frequency attached by ClinVar (database versions not stated): gnomAD exomes below 0.00001.
gnomAD v4.1: 6 of 1,614,212 alleles (0.00037%); highest among the groups gnomAD compares: African/African-American, 0.0013%; no homozygotes.

Submissions (3):

Labcorp Genetics (formerly Invitae), Labcorp
Classification: Uncertain significance for Gorlin syndrome; Medulloblastoma. Last evaluated: 2025-10-01. Review status: criteria provided, single submitter. Criteria: Invitae Variant Classification Sherloc (09022015). Collection method: clinical testing. Allele origin: germline.
Comment: This sequence change replaces asparagine, which is neutral and polar, with serine, which is neutral and polar, at codon 319 of the SUFU protein (p.Asn319Ser). This variant is present in population databases (no rsID available, gnomAD 0.007%). This variant has not been reported in the literature in individuals affected with SUFU-related conditions. ClinVar contains an entry for this variant (Variation ID: 858842). Invitae Evidence Modeling of protein sequence and biophysical properties (such as structural, functional, and spatial information, amino acid conservation, physicochemical variation, residue mobility, and thermodynamic stability) indicates that this missense variant is not expected to disrupt SUFU protein function with a negative predictive value of 80%. In summary, the available evidence is currently insufficient to determine the role of this variant in disease. Therefore, it has been classified as a Variant of Uncertain Significance.

Ambry Genetics
Classification: Likely benign for Hereditary cancer-predisposing syndrome. Last evaluated: 2024-02-15. Review status: criteria provided, single submitter. Criteria: Ambry Variant Classification Scheme 2023. Collection method: clinical testing. Allele origin: germline.

GeneDx
Classification: Uncertain significance. Last evaluated: 2023-05-18. Review status: criteria provided, single submitter. Criteria: GeneDx Variant Classification Process June 2021. Collection method: clinical testing. Allele origin: germline. Affected: yes.
Comment: Not observed at significant frequency in large population cohorts (gnomAD); In silico analysis supports that this missense variant does not alter protein structure/function; Has not been previously published as pathogenic or benign to our knowledge